The following is an entry in ClinVar:

NM_007194.4(CHEK2):c.107A>G (p.Gln36Arg)

Gene: CHEK2 (checkpoint kinase 2; minus strand). Cytogenetic location: 22q12.1.
Variant type: single nucleotide variant.
Coding change: c.107A>G on transcript NM_007194.4 (MANE Select); coding-DNA position 107, A replaced by G.
Protein change: p.Gln36Arg; replaces glutamine 36 with arginine.
Molecular consequence: missense variant.
Genome position (GRCh38, 1-based): chr22:28,734,615, T>C on the plus strand (A>G on the coding strand, the complement: CHEK2 is on the minus strand). VCF-style: chr22-28734615-T-C. GRCh37 (hg19) VCF-style: chr22-29130603-T-C.
Other names: c.107A>G, p.Gln36Arg (NM_001005735.3, NM_001349956.3, NM_145862.3); c.-671A>G (NM_001257387.3); short protein forms Q36R.
Identifiers: ClinVar variation 479543 (VCV000479543.6), dbSNP rs1555932650, ClinGen allele CA411091435.
Genomic context (GRCh38, chr22:28,734,615, plus strand): 5'-CTGGAGTGAGAGGACTGGCTGGAGTTTGGCATCGTGCTGGTAGAGGAGCTGGATATGCCC[T>C]GGGACTGTGAGGAGGAGCCTTGGGACTGGGTAACGCTGCCATGGGGCTGTGAACAGGCAC-3'
Protein context (NP_009125.1, residues 26-46): TQSQGSSSQS[Gln36Arg]GISSSSTSTM

ClinVar aggregate classification (germline): Uncertain significance. Review status: criteria provided, multiple submitters, no conflicts (2 of 4 stars). 2 submissions from 2 submitters: Uncertain significance (2). Last evaluated 2026-01-17.

Conditions:
Familial cancer of breast. Also called: BREAST CANCER, FAMILIAL; Hereditary breast cancer; hereditary breast carcinoma. Identifiers: Orphanet 227535, MedGen C0346153, MONDO:0016419, OMIM 114480. Disease mechanism: loss of function.
Hereditary cancer-predisposing syndrome. Also called: Hereditary Cancer Syndrome; Neoplastic Syndromes, Hereditary; Tumor predisposition; Hereditary neoplastic syndrome. Identifiers: Orphanet 140162, MedGen C0027672, MeSH D009386, MONDO:0015356.

Allele frequency attached by ClinVar (database versions not stated): gnomAD exomes below 0.00001.
gnomAD v4.1: 1 of 1,613,912 alleles (0.000062%); highest among the groups gnomAD compares: Non-Finnish European, 0.000085%; no homozygotes.

Submissions (2):

Labcorp Genetics (formerly Invitae), Labcorp
Classification: Uncertain significance for Familial cancer of breast. Last evaluated: 2026-01-17. Review status: criteria provided, single submitter. Criteria: Invitae Variant Classification Sherloc (09022015). Collection method: clinical testing. Allele origin: germline.
Comment: This sequence change replaces glutamine, which is neutral and polar, with arginine, which is basic and polar, at codon 36 of the CHEK2 protein (p.Gln36Arg). This variant is not present in population databases (gnomAD no frequency). This variant has not been reported in the literature in individuals affected with CHEK2-related conditions. ClinVar contains an entry for this variant (Variation ID: 479543). An algorithm developed to predict the effect of missense changes on protein structure and function (PolyPhen-2) suggests that this variant is likely to be tolerated. In summary, the available evidence is currently insufficient to determine the role of this variant in disease. Therefore, it has been classified as a Variant of Uncertain Significance.

Ambry Genetics
Classification: Uncertain significance for Hereditary cancer-predisposing syndrome. Last evaluated: 2017-07-11. Review status: criteria provided, single submitter. Criteria: Ambry Variant Classification Scheme 2023. Collection method: clinical testing. Allele origin: germline.
Comment: The p.Q36R variant (also known as c.107A>G), located in coding exon 1 of the CHEK2 gene, results from an A to G substitution at nucleotide position 107. The glutamine at codon 36 is replaced by arginine, an amino acid with highly similar properties. This amino acid position is highly conserved in available vertebrate species. In addition, the in silico prediction for this alteration is inconclusive. Since supporting evidence is limited at this time, the clinical significance of this alteration remains unclear.